The following is an entry in ClinVar:

NM_001270.4(CHD1):c.2590A>G (p.Thr864Ala)

Gene: CHD1 (chromodomain helicase DNA binding protein 1; minus strand). Cytogenetic location: 5q15.
Variant type: single nucleotide variant.
Coding change: c.2590A>G on transcript NM_001270.4 (MANE Select); coding-DNA position 2590, A replaced by G.
Protein change: p.Thr864Ala; replaces threonine 864 with alanine.
Molecular consequence: missense variant. On other transcripts: non-coding transcript variant (2).
Genome position (GRCh38, 1-based): chr5:98,883,216, T>C on the plus strand (A>G on the coding strand, the complement: CHD1 is on the minus strand). VCF-style: chr5-98883216-T-C. GRCh37 (hg19) VCF-style: chr5-98218920-T-C.
Other names: c.2590A>G, p.Thr864Ala (NM_001364113.3, NM_001376194.2); short protein forms T864A.
Identifiers: ClinVar variation 4538241 (VCV004538241.1).

ClinVar aggregate classification (germline): Uncertain significance (1 of 4 stars; one submission).

Submission:

Greenwood Genetic Center Diagnostic Laboratories, Greenwood Genetic Center
Classification: Uncertain significance. Last evaluated: 2025-05-14. Review status: criteria provided, single submitter. Criteria: ACMG Guidelines, 2015. Collection method: clinical testing. Allele origin: germline. Affected: yes.
Comment: PM2, PP3